The following is an entry in ClinVar:

ClinVar aggregate classification (germline): Conflicting classifications of pathogenicity. Review status: criteria provided, conflicting classifications (1 of 4 stars). 2 submissions from 2 submitters: Likely pathogenic (1); Uncertain significance (1). Last evaluated 2020-06-05.

Conditions:
Hypertrophic cardiomyopathy. Also called: HYPERTROPHIC MYOCARDIOPATHY. Identifiers: Orphanet 217569, MedGen C0007194, MeSH D002312, MONDO:0005045, HP:0001639.

Submissions (2):

GeneDx
Classification: Likely pathogenic. Last evaluated: 2020-06-05. Review status: criteria provided, single submitter. Criteria: GeneDx Variant Classification Process June 2021. Collection method: clinical testing. Allele origin: germline. Affected: yes.
Comment: Not observed in large population cohorts (Lek et al., 2016); In-frame deletion of 3 amino acids in a non-repeat region; In silico analysis supports a deleterious effect on protein structure/function; Has not been previously published in peer-reviewed literature as pathogenic or benign to our knowledge

Labcorp Genetics (formerly Invitae), Labcorp
Classification: Uncertain significance for Hypertrophic cardiomyopathy. Last evaluated: 2019-12-19. Review status: criteria provided, single submitter. Criteria: Invitae Variant Classification Sherloc (09022015). Collection method: clinical testing. Allele origin: germline.
Comment: This variant, c.5267_5275del, results in the deletion of 3 amino acid(s) of the MYH7 protein (p.Lys1756_Ala1758del), but otherwise preserves the integrity of the reading frame. This variant is not present in population databases (ExAC no frequency). This variant has been observed in individual(s) with clinical features of distal myopathy (Invitae). Experimental studies and prediction algorithms are not available or were not evaluated, and the functional significance of this variant is currently unknown. In summary, the available evidence is currently insufficient to determine the role of this variant in disease. Therefore, it has been classified as a Variant of Uncertain Significance.

NM_000257.4(MYH7):c.5258AGAAGGCCA[1] (p.Lys1756_Ala1758del)

Genes: MYH7 (myosin heavy chain 7; minus strand), LOC126861897 (BRD4-independent group 4 enhancer GRCh37_chr14:23884455-23885654; plus strand). Cytogenetic location: 14q11.2.
Variant type: Microsatellite.
Coding change: c.5258AGAAGGCCA[1] on transcript NM_000257.4 (MANE Select); one copy of the 9-base unit AGAAGGCCA starting at c.5258; the reference has two copies in a row; one copy, 9 bases deleted.
Protein change: p.Lys1756_Ala1758del.
Molecular consequence: inframe deletion.
Genome position (GRCh38, 1-based): chr14:23,415,389-23,415,397, TGGCCTTCT deleted on the plus strand (AGAAGGCCA on the coding strand, the reverse complement: MYH7 is on the minus strand); deleting any 9 consecutive bases within chr14:23,415,389-23,415,406 gives the same sequence; the position shown is the placement nearest the transcript's 3' end. VCF-style (leftmost placement, unchanged base first): chr14-23415388-ATGGCCTTCT-A. GRCh37 (hg19) VCF-style: chr14-23884597-ATGGCCTTCT-A.
Identifiers: ClinVar variation 856253 (VCV000856253.14), dbSNP rs1566522846, ClinGen allele CA916081702.